The following is an entry in ClinVar:

NM_003839.4(TNFRSF11A):c.17G>T (p.Arg6Leu)

Genes: TNFRSF11A (TNF receptor superfamily member 11a; plus strand), LOC130062628 (ATAC-STARR-seq lymphoblastoid silent region 9505; plus strand). Cytogenetic location: 18q21.33.
Variant type: single nucleotide variant.
Coding change: c.17G>T on transcript NM_003839.4 (MANE Select); coding-DNA position 17, G replaced by T.
Protein change: p.Arg6Leu; replaces arginine 6 with leucine.
Molecular consequence: missense variant.
Genome position (GRCh38, 1-based): chr18:62,325,369, G>T. VCF-style: chr18-62325369-G-T. GRCh37 (hg19) VCF-style: chr18-59992602-G-T.
Other names: c.17G>T, p.Arg6Leu (NM_001270949.2, NM_001270950.2, NM_001270951.2 and 1 more transcripts); short protein forms R6L.
Identifiers: ClinVar variation 2767008 (VCV002767008.3), dbSNP rs1405874976, ClinGen allele CA402618612.

ClinVar aggregate classification (germline): Uncertain significance (1 of 4 stars; one submission).

Submission:

Labcorp Genetics (formerly Invitae), Labcorp
Classification: Uncertain significance. Last evaluated: 2024-07-21. Review status: criteria provided, single submitter. Criteria: Invitae Variant Classification Sherloc (09022015). Collection method: clinical testing. Allele origin: germline.
Comment: This sequence change replaces arginine, which is basic and polar, with leucine, which is neutral and non-polar, at codon 6 of the TNFRSF11A protein (p.Arg6Leu). The frequency data for this variant in the population databases is considered unreliable, as metrics indicate insufficient coverage at this position in the gnomAD database. This variant has not been reported in the literature in individuals affected with TNFRSF11A-related conditions. Experimental studies and prediction algorithms are not available or were not evaluated, and the functional significance of this variant is currently unknown. In summary, the available evidence is currently insufficient to determine the role of this variant in disease. Therefore, it has been classified as a Variant of Uncertain Significance.